The following is an entry in ClinVar:

ClinVar aggregate classification (germline): Pathogenic (1 of 4 stars; one submission).

Conditions:
Baller-Gerold syndrome (BGS). Also called: CRANIOSYNOSTOSIS WITH RADIAL DEFECTS. Identifiers: Orphanet 1225, MedGen C0265308, MONDO:0009039, OMIM 218600.

Submission:

Labcorp Genetics (formerly Invitae), Labcorp
Classification: Pathogenic for Baller-Gerold syndrome. Last evaluated: 2025-12-23. Review status: criteria provided, single submitter. Criteria: Invitae Variant Classification Sherloc (09022015). Collection method: clinical testing. Allele origin: germline.
Comment: This sequence change creates a premature translational stop signal (p.Asp1093Glufs*59) in the RECQL4 gene. It is expected to result in an absent or disrupted protein product. Loss-of-function variants in RECQL4 are known to be pathogenic (PMID: 12734318, 12952869). This variant is present in population databases (rs779196557, gnomAD 0.0009%). This variant has not been reported in the literature in individuals affected with RECQL4-related conditions. ClinVar contains an entry for this variant (Variation ID: 2046269). For these reasons, this variant has been classified as Pathogenic.

Literature cited by the submitters: PubMed 12734318; PubMed 12952869.

NM_004260.4(RECQL4):c.3278_3279insAAGGA (p.Asp1093fs)

Gene: RECQL4 (RecQ like helicase 4; minus strand). Cytogenetic location: 8q24.3.
Variant type: Insertion.
Coding change: c.3278_3279insAAGGA on transcript NM_004260.4 (MANE Select); coding-DNA positions 3278 to 3279, AAGGA inserted.
Protein change: p.Asp1093fs; shifts the reading frame from aspartic acid 1093.
Molecular consequence: frameshift variant.
Genome position: GRCh38 VCF-style: chr8-144512025-A-ATCCTT. GRCh37 (hg19) VCF-style: chr8-145737408-A-ATCCTT.
Other names: c.2980_2981insAGGAA, p.Asp995Glufs (NM_001413017.1); c.3076_3077insAGGAA, p.Asp1027Glufs (NM_001413018.1); c.3349_3350insAGGAA, p.Asp1118Glufs (NM_001413019.1); c.3178_3179insAGGAA, p.Asp1061Glufs (NM_001413020.1); c.2203_2204insAGGAA, p.Asp736Glufs (NM_001413021.1, NM_001413022.1, NM_001413024.1 and 4 more transcripts); c.2278_2279insAGGAA, p.Asp761Glufs (NM_001413023.1); c.3145_3146insAGGAA, p.Asp1050Glufs (NM_001413025.1); c.2137_2138insAGGAA, p.Asp714Glufs (NM_001413027.1, NM_001413030.1, NM_001413032.1); and 9 more; short protein forms D1093fs.
Identifiers: ClinVar variation 2046269 (VCV002046269.4), dbSNP rs779196557, ClinGen allele CA4947833.